The following is an entry in ClinVar:

ClinVar aggregate classification (germline): Uncertain significance (1 of 4 stars; one submission).

Conditions:
Combined immunodeficiency due to DOCK8 deficiency (HIES2). Also called: HIES autosomal recessive; Hyper-IgE recurrent infection syndrome, autosomal recessive; HYPER-IgE RECURRENT INFECTION SYNDROME 2, AUTOSOMAL RECESSIVE; HYPER-IgE SYNDROME 2, AUTOSOMAL RECESSIVE, WITH RECURRENT INFECTIONS; DOCK8 Deficiency. Identifiers: Orphanet 217390, MedGen C4722305, MONDO:0009478, OMIM 243700.

gnomAD v4.1: 1 of 1,614,168 alleles (0.000062%); highest among the groups gnomAD compares: Non-Finnish European, 0.000085%; no homozygotes.

Submission:

Precision Medical Center, Wuhan Children's Hospital
Classification: Uncertain significance for Combined immunodeficiency due to DOCK8 deficiency. Last evaluated: 2026-04-20. Review status: criteria provided, single submitter. Criteria: ACMG Guidelines, 2015. Collection method: clinical testing. Allele origin: germline. Inheritance: Autosomal recessive inheritance. Affected: yes. Observed: 1 variant allele, 1 compound heterozygote.
Comment: The NM_203447.4 c.5346C>G, is a missense mutation in DOCK8 gene . The variation is located in a hotspot mutation region and/or in a critical functional domain known to be devoid of benign variations (PM1). The variation does not exist or is very rare in the population database (PM2). More than two bioinformatics methods predict that variations have an impact on genes (gene products) (PP3). In summary, this variant meets criteria to be classified as Variants of Uncertain Significance

Literature cited by the submitters: PubMed 34301197.

NM_203447.4(DOCK8):c.5346C>G (p.Ile1782Met)

Gene: DOCK8 (dedicator of cytokinesis 8; plus strand). Cytogenetic location: 9p24.3.
Variant type: single nucleotide variant.
Coding change: c.5346C>G on transcript NM_203447.4 (MANE Select); coding-DNA position 5346, C replaced by G.
Protein change: p.Ile1782Met; replaces isoleucine 1782 with methionine.
Molecular consequence: missense variant.
Genome position (GRCh38, 1-based): chr9:441,408, C>G. VCF-style: chr9-441408-C-G. GRCh37 (hg19) VCF-style: chr9-441408-C-G.
Other names: c.5046C>G, p.Ile1682Met (NM_001190458.2); c.5142C>G, p.Ile1714Met (NM_001193536.2); short protein forms I1682M, I1714M, I1782M.
Identifiers: ClinVar variation 4845248 (VCV004845248.1).